The following is an entry in ClinVar:

NM_002941.4(ROBO1):c.4800T>G (p.Asp1600Glu)

Gene: ROBO1 (roundabout guidance receptor 1; minus strand). Cytogenetic location: 3p12.3.
Variant type: single nucleotide variant.
Coding change: c.4800T>G on transcript NM_002941.4 (MANE Select); coding-DNA position 4800, T replaced by G.
Protein change: p.Asp1600Glu; replaces aspartic acid 1600 with glutamic acid.
Molecular consequence: missense variant.
Genome position (GRCh38, 1-based): chr3:78,600,254, A>C on the plus strand (T>G on the coding strand, the complement: ROBO1 is on the minus strand). VCF-style: chr3-78600254-A-C. GRCh37 (hg19) VCF-style: chr3-78649404-A-C.
Other names: c.4665T>G, p.Asp1555Glu (NM_001145844.1, NM_133631.4); c.4500T>G, p.Asp1500Glu (NM_001145845.2); c.4800T>G (NM_002941.3); short protein forms D1600E, D1500E, D1555E.
Identifiers: ClinVar variation 2061944 (VCV002061944.7), dbSNP rs748131500, ClinGen allele CA2497954.

ClinVar aggregate classification (germline): Benign/Likely benign. Review status: criteria provided, multiple submitters, no conflicts (2 of 4 stars). 3 submissions from 3 submitters: Benign (1); Likely benign (1). 1 of the submissions does not count toward it. Last evaluated 2026-02-01.

Conditions:
ROBO1-related disorder. Also called: ROBO1-related condition.
Inborn genetic diseases. Identifiers: MedGen C0950123, MeSH D030342.

Allele frequency attached by ClinVar (database versions not stated): gnomAD 0.00005; TOPMed 0.00014; ExAC 0.00027.
gnomAD v4.1: 95 of 1,613,158 alleles (0.0059%); highest among the groups gnomAD compares: Admixed American, 0.16%; 1 homozygote.

Submissions (3):

Labcorp Genetics (formerly Invitae), Labcorp
Classification: Benign. Last evaluated: 2026-02-01. Review status: criteria provided, single submitter. Criteria: Invitae Variant Classification Sherloc (09022015). Collection method: clinical testing. Allele origin: germline.

Ambry Genetics
Classification: Likely benign for Inborn genetic diseases. Last evaluated: 2025-08-12. Review status: criteria provided, single submitter. Criteria: Ambry Variant Classification Scheme 2023. Collection method: clinical testing. Allele origin: germline.

PreventionGenetics, part of Exact Sciences
Classification: Uncertain significance for ROBO1-related condition. Last evaluated: 2024-01-18. Review status: no assertion criteria provided. Collection method: clinical testing. Allele origin: germline. Not counted in ClinVar's aggregate classification.
Comment: The ROBO1 c.4800T>G variant is predicted to result in the amino acid substitution p.Asp1600Glu. To our knowledge, this variant has not been reported in the literature. This variant is reported in 0.23% of alleles in individuals of Latino descent in gnomAD, including one homozygous individual. However, at this time, the clinical significance of this variant is uncertain due to the absence of conclusive functional and genetic evidence.